The following is an entry in ClinVar:

NM_014049.5(ACAD9):c.959-163G>A

Gene: ACAD9 (acyl-CoA dehydrogenase family member 9; plus strand). Cytogenetic location: 3q21.3.
Variant type: single nucleotide variant.
Coding change: c.959-163G>A on transcript NM_014049.5 (MANE Select); 163 bases into the intron before coding-DNA position 959, G replaced by A.
Molecular consequence: intron variant.
Genome position (GRCh38, 1-based): chr3:128,903,899, G>A. VCF-style: chr3-128903899-G-A. GRCh37 (hg19) VCF-style: chr3-128622742-G-A.
Other names: NC_000003.11:g.128622742G>A.
Identifiers: ClinVar variation 680074 (VCV000680074.3), dbSNP rs66521976, ClinGen allele CA11612574.

ClinVar aggregate classification (germline): Benign. Review status: criteria provided, multiple submitters, no conflicts (2 of 4 stars). 2 submissions from 2 submitters: Benign (2). Last evaluated 2018-06-14.

Allele frequency attached by ClinVar (database versions not stated): 1000 Genomes Project 0.12939; 1000 Genomes Project 30x 0.13101; TOPMed 0.14181; gnomAD 0.14293 and 0.14366.
gnomAD v4.1: 21,745 of 152,138 alleles (14%); highest among the groups gnomAD compares: Middle Eastern, 16%; 1,623 homozygotes.

Submissions (11):

GeneDx
Classification: Benign. Last evaluated: 2018-06-14. Review status: criteria provided, single submitter. Criteria: GeneDx Variant Classification (06012015). Collection method: clinical testing. Allele origin: germline. Affected: yes.
Comment: This variant is considered likely benign or benign based on one or more of the following criteria: it is a conservative change, it occurs at a poorly conserved position in the protein, it is predicted to be benign by multiple in silico algorithms, and/or has population frequency not consistent with disease.

Breakthrough Genomics
Classification: Benign. Review status: criteria provided, single submitter. Criteria: ACMG Guidelines, 2015. Collection method: not provided. Allele origin: germline. Inheritance: Autosomal recessive inheritance. Affected: yes.

Dr. Peter K. Rogan Lab, Western University
No classification provided (evidence only). Condition: Cholangiocarcinoma. Review status: no classification provided. Collection method: in vitro. Allele origin: not applicable. Functional consequence: retained intron. Not counted in ClinVar's aggregate classification.

Dr. Peter K. Rogan Lab, Western University
No classification provided (evidence only). Condition: Cholangiocarcinoma. Review status: no classification provided. Collection method: in vitro. Allele origin: not applicable. Functional consequence: retained intron. Not counted in ClinVar's aggregate classification.

Dr. Peter K. Rogan Lab, Western University
No classification provided (evidence only). Condition: Gastric cancer. Review status: no classification provided. Collection method: in vitro. Allele origin: not applicable. Functional consequence: retained intron. Not counted in ClinVar's aggregate classification.

Dr. Peter K. Rogan Lab, Western University
No classification provided (evidence only). Condition: Gastric cancer. Review status: no classification provided. Collection method: in vitro. Allele origin: not applicable. Functional consequence: retained intron. Not counted in ClinVar's aggregate classification.

Dr. Peter K. Rogan Lab, Western University
No classification provided (evidence only). Condition: Gastric cancer. Review status: no classification provided. Collection method: in vitro. Allele origin: not applicable. Functional consequence: retained intron. Not counted in ClinVar's aggregate classification.

Dr. Peter K. Rogan Lab, Western University
No classification provided (evidence only). Condition: Gastric cancer. Review status: no classification provided. Collection method: in vitro. Allele origin: not applicable. Functional consequence: retained intron. Not counted in ClinVar's aggregate classification.

Dr. Peter K. Rogan Lab, Western University
No classification provided (evidence only). Condition: Gastric cancer. Review status: no classification provided. Collection method: in vitro. Allele origin: not applicable. Functional consequence: retained intron. Not counted in ClinVar's aggregate classification.

Dr. Peter K. Rogan Lab, Western University
No classification provided (evidence only). Condition: Uterine carcinosarcoma. Review status: no classification provided. Collection method: in vitro. Allele origin: not applicable. Functional consequence: retained intron. Not counted in ClinVar's aggregate classification.

Dr. Peter K. Rogan Lab, Western University
No classification provided (evidence only). Condition: Uterine carcinosarcoma. Review status: no classification provided. Collection method: in vitro. Allele origin: not applicable. Functional consequence: retained intron. Not counted in ClinVar's aggregate classification.